The following is an entry in ClinVar:

ClinVar aggregate classification (germline): Uncertain significance. Review status: criteria provided, multiple submitters, no conflicts (2 of 4 stars). 2 submissions from 2 submitters: Uncertain significance (2). Last evaluated 2025-10-02.

Conditions:
Intellectual developmental disorder, autosomal dominant 1. Also called: Intellectual disability, autosomal dominant 1; MBD5 Haploinsufficiency. Identifiers: Orphanet 228402, MedGen C1969562, MONDO:0007974, OMIM 156200.

Allele frequency attached by ClinVar (database versions not stated): gnomAD 0.00001; gnomAD exomes below 0.00001; TOPMed below 0.00001.
gnomAD v4.1: 6 of 1,613,776 alleles (0.00037%); highest among the groups gnomAD compares: Non-Finnish European, 0.00051%; no homozygotes.

Submissions (2):

Labcorp Genetics (formerly Invitae), Labcorp
Classification: Uncertain significance for Intellectual developmental disorder, autosomal dominant 1. Last evaluated: 2025-10-02. Review status: criteria provided, single submitter. Criteria: Invitae Variant Classification Sherloc (09022015). Collection method: clinical testing. Allele origin: germline.
Comment: This sequence change replaces histidine, which is basic and polar, with aspartic acid, which is acidic and polar, at codon 714 of the MBD5 protein (p.His714Asp). This variant is not present in population databases (gnomAD no frequency). This variant has not been reported in the literature in individuals affected with MBD5-related conditions. ClinVar contains an entry for this variant (Variation ID: 331336). Invitae Evidence Modeling of protein sequence and biophysical properties (such as structural, functional, and spatial information, amino acid conservation, physicochemical variation, residue mobility, and thermodynamic stability) indicates that this missense variant is not expected to disrupt MBD5 protein function with a negative predictive value of 80%. In summary, the available evidence is currently insufficient to determine the role of this variant in disease. Therefore, it has been classified as a Variant of Uncertain Significance.

CeGaT Center for Human Genetics Tuebingen
Classification: Uncertain significance. Last evaluated: 2022-10-01. Review status: criteria provided, single submitter. Criteria: CeGaT Center For Human Genetics Tuebingen Variant Classification Criteria Version 2. Collection method: clinical testing. Allele origin: germline. Affected: yes. Observed: 3 variant alleles.

NM_001378120.1(MBD5):c.2140C>G (p.His714Asp)

Gene: MBD5 (methyl-CpG binding domain protein 5; plus strand). Cytogenetic location: 2q23.1.
Variant type: single nucleotide variant.
Coding change: c.2140C>G on transcript NM_001378120.1 (MANE Select); coding-DNA position 2140, C replaced by G.
Protein change: p.His714Asp; replaces histidine 714 with aspartic acid.
Molecular consequence: missense variant.
Genome position (GRCh38, 1-based): chr2:148,470,083, C>G. VCF-style: chr2-148470083-C-G. GRCh37 (hg19) VCF-style: chr2-149227652-C-G.
Other names: c.2140C>G, p.His714Asp (NM_018328.5); short protein forms H714D.
Identifiers: ClinVar variation 331336 (VCV000331336.46), dbSNP rs886054909, ClinGen allele CA10610858.